The following is an entry in ClinVar:

ClinVar aggregate classification (germline): Uncertain significance (1 of 4 stars; one submission).

Conditions:
Early-infantile DEE. Also called: Ohtahara syndrome; Early infantile epileptic encephalopathy; Early infantile epileptic encephalopathy with suppression bursts. Identifiers: Orphanet 1934, MedGen C0393706, MONDO:0800491.

Submission:

Labcorp Genetics (formerly Invitae), Labcorp
Classification: Uncertain significance for Early-infantile DEE. Last evaluated: 2023-09-23. Review status: criteria provided, single submitter. Criteria: Invitae Variant Classification Sherloc (09022015). Collection method: clinical testing. Allele origin: germline.
Comment: In summary, the available evidence is currently insufficient to determine the role of this variant in disease. Therefore, it has been classified as a Variant of Uncertain Significance. Advanced modeling of protein sequence and biophysical properties (such as structural, functional, and spatial information, amino acid conservation, physicochemical variation, residue mobility, and thermodynamic stability) performed at Invitae indicates that this missense variant is not expected to disrupt KCNH5 protein function. This variant has not been reported in the literature in individuals affected with KCNH5-related conditions. This variant is not present in population databases (gnomAD no frequency). This sequence change replaces glutamine, which is neutral and polar, with histidine, which is basic and polar, at codon 726 of the KCNH5 protein (p.Gln726His).

NM_139318.5(KCNH5):c.2178G>C (p.Gln726His)

Gene: KCNH5 (potassium voltage-gated channel subfamily H member 5; minus strand). Cytogenetic location: 14q23.2.
Variant type: single nucleotide variant.
Coding change: c.2178G>C on transcript NM_139318.5 (MANE Select); coding-DNA position 2178, G replaced by C.
Protein change: p.Gln726His; replaces glutamine 726 with histidine.
Molecular consequence: missense variant. On other transcripts: 3 prime UTR variant (1).
Genome position (GRCh38, 1-based): chr14:62,708,297, C>G on the plus strand (G>C on the coding strand, the complement: KCNH5 is on the minus strand). VCF-style: chr14-62708297-C-G. GRCh37 (hg19) VCF-style: chr14-63175015-C-G.
Other names: c.*145G>C (NM_172375.3); short protein forms Q726H.
Identifiers: ClinVar variation 2762643 (VCV002762643.3), dbSNP rs2139899405, ClinGen allele CA390101169.